The following is an entry in ClinVar:

ClinVar aggregate classification (germline): Conflicting classifications of pathogenicity. Review status: criteria provided, conflicting classifications (1 of 4 stars). 3 submissions from 3 submitters: Pathogenic (2); Uncertain significance (1). Last evaluated 2026-01-26.

Conditions:
Glycine encephalopathy. Also called: Nonketotic hyperglycinemia; Non-ketotic hyperglycinemia. Identifiers: Orphanet 407, MedGen C0751748, MONDO:0011612, HP:0008288.

Submissions (3):

Natera, Inc.
Classification: Pathogenic for Non-ketotic hyperglycinemia. Last evaluated: 2026-01-26. Review status: criteria provided, single submitter. Criteria: Natera Variant Classification Schema (03/2026). Collection method: clinical testing. Allele origin: germline.
Comment: The c.1033+1G>C variant in AMT is a canonical splice donor site variant predicted to affect pre-mRNA splicing, which may result in an abnormal transcript and altered protein product. This variant is expected to result in nonsense mediated decay, truncation, or a dysfunctional protein product. This variant is rare in the general population with a frequency below the threshold expected for the associated phenotype(s). This variant has been observed in one or more individuals affected with the associated recessive disease, as either homozygous or compound heterozygous with a second variant (PMID: 29300369). Another variant at this same site results in an alteration predicted to cause a similar molecular effect has been observed in individual(s) with the associated phenotype. Given the available evidence, this variant is classified as Pathogenic.

Broad Center for Mendelian Genomics, Broad Institute of MIT and Harvard
Classification: Uncertain significance for Glycine encephalopathy. Last evaluated: 2022-05-04. Review status: criteria provided, single submitter. Criteria: ACMG Guidelines, 2015. Collection method: curation. Allele origin: germline. Inheritance: Autosomal recessive inheritance.
Comment: The variant has not been previously reported in individuals with glycine encephalopathy and was absent from large population studies. This variant occurs in the invariant region (+/- 1/2) of the splice consensus sequence and is predicted to cause altered splicing leading to an abnormal or absent protein. Loss of function of the AMT gene is a moderately established disease mechanism in autosomal recessive glycine encephalopathy. The presence of this variant in 1 affected homozygote increases the likelihood that the c.1033+1G>C variant is pathogenic. In summary, while there is some suspicion for a pathogenic role, the clinical significance of this variant is uncertain. ACMG/AMP Criteria applied: PM2, PM3_supporting, PVS1_supporting (Richards 2015).

Labcorp Genetics (formerly Invitae), Labcorp
Classification: Pathogenic for Glycine encephalopathy. Last evaluated: 2020-10-26. Review status: criteria provided, single submitter. Criteria: Invitae Variant Classification Sherloc (09022015). Collection method: clinical testing. Allele origin: germline.
Comment: Disruption of this splice site has been observed in individual(s) with glycine encephalopathy (PMID: 27362913). In at least one individual the data is consistent with the variant being in trans (on the opposite chromosome) from a pathogenic variant. This variant is also known as c.1034+1G>C and IVS8+1G>C. This variant is not present in population databases (ExAC no frequency). This sequence change affects a donor splice site in intron 8 of the AMT gene. While this variant is not anticipated to result in nonsense mediated decay, it likely alters RNA splicing and results in a disrupted protein product. For these reasons, this variant has been classified as Pathogenic. Nucleotide substitutions within the consensus splice site are a relatively common cause of aberrant splicing (PMID: 17576681, 9536098). Algorithms developed to predict the effect of sequence changes on RNA splicing suggest that this variant may disrupt the consensus splice site, but this prediction has not been confirmed by published transcriptional studies.

Literature cited by the submitters: PubMed 29300369 (cited by Natera, Inc.); PubMed 27362913 (cited by Labcorp Genetics (formerly Invitae), Labcorp); PubMed 17576681 (cited by Labcorp Genetics (formerly Invitae), Labcorp); PubMed 9536098 (cited by Labcorp Genetics (formerly Invitae), Labcorp).

NM_000481.4(AMT):c.1033+1G>C

Gene: AMT (aminomethyltransferase; minus strand). Cytogenetic location: 3p21.31.
Variant type: single nucleotide variant.
Coding change: c.1033+1G>C on transcript NM_000481.4 (MANE Select); the canonical splice donor site of the intron after coding-DNA position 1033, G replaced by C.
Molecular consequence: splice donor variant.
Genome position (GRCh38, 1-based): chr3:49,417,817, C>G on the plus strand (G>C on the coding strand, the complement: AMT is on the minus strand). VCF-style: chr3-49417817-C-G. GRCh37 (hg19) VCF-style: chr3-49455250-C-G.
Other names: NR_028435.2:n.1042+1G>C; c.865+1G>C (NM_001164711.2); c.901+1G>C (NM_001164710.2); c.1033+1G>C (NM_001164712.2, NM_000481.3).
Identifiers: ClinVar variation 1069376 (VCV001069376.7), dbSNP rs2107928969, ClinGen allele CA352789274.